The following is an entry in ClinVar:

ClinVar aggregate classification (germline): Uncertain significance. Review status: criteria provided, multiple submitters, no conflicts (2 of 4 stars). 5 submissions from 5 submitters: Uncertain significance (5). Last evaluated 2026-10-01.

Conditions:
Cardiomyopathy (CMYO). Also called: Cardiomyopathies. Identifiers: Orphanet 167848, MedGen C0878544, MONDO:0004994, HP:0001638. Inheritance: Various modes of inheritance.
Cardiovascular phenotype. Identifiers: MedGen CN230736.
Severe dermatitis-multiple allergies-metabolic wasting syndrome. Also called: ERYTHRODERMA, CONGENITAL, WITH PALMOPLANTAR KERATODERMA, HYPOTRICHOSIS, RECURRENT INFECTIONS, AND MULTIPLE FOOD ALLERGIES; SEVERE DERMATITIS, MULTIPLE ALLERGIES, AND METABOLIC WASTING SYNDROME; SAM SYNDROME; Erythroderma, congenital, with palmoplantar keratoderma, hypotrichosis, and hyper-ige. Identifiers: Orphanet 369992, MedGen C3809719, MONDO:0014218, OMIM 615508.
Arrhythmogenic cardiomyopathy with wooly hair and keratoderma. Also called: PALMOPLANTAR KERATODERMA WITH LEFT VENTRICULAR CARDIOMYOPATHY AND WOOLLY HAIR; Carvajal syndrome; Dilated cardiomyopathy with woolly hair and keratoderma; Arrhythmogenic cardiomyopathy with woolly hair and keratoderma. Identifiers: Orphanet 65282, MedGen C1854063, MONDO:0011581, OMIM 605676.
Primary dilated cardiomyopathy (DCM). Also called: Dilated Cardiomyopathy. Identifiers: Orphanet 217604, MedGen C0007193, MeSH D002311, MONDO:0005021, HP:0001644. Inheritance: Various modes of inheritance.
Cardiomyopathy, dilated, with wooly hair, keratoderma, and tooth agenesis. Also called: Cardiomyopathy, dilated, with woolly hair, keratoderma, and tooth agenesis; Erythrokeratodermia-cardiomyopathy syndrome. Identifiers: Orphanet 476096, Orphanet 65282, MedGen C4014393, MONDO:0014355, OMIM 615821.
Lethal acantholytic epidermolysis bullosa (EBLA). Identifiers: Orphanet 158687, MedGen C1864826, MONDO:0012323, OMIM 609638.
Palmoplantar keratoderma. Identifiers: MedGen C4551675, HP:0000982.
Arrhythmogenic right ventricular cardiomyopathy (ARVD). Also called: Arrhythmogenic right ventricular dysplasia; Cardiomyopathy, ARVC; Arrhythmogenic cardiomyopathy; Arrhythmogenic Right Ventricular Cardiomyopathy (ARVC). Identifiers: Orphanet 247, MedGen C0349788, MeSH D019571, MONDO:0016587. Disease mechanism: loss of function. Inheritance: Various modes of inheritance.
Arrhythmogenic right ventricular dysplasia 8 (ARVD8). Also called: ARRHYTHMOGENIC RIGHT VENTRICULAR DYSPLASIA, FAMILIAL, 8; ARRHYTHMOGENIC RIGHT VENTRICULAR CARDIOMYOPATHY 8; Arrhythmogenic Right Ventricular Dysplasia/Cardiomyopathy 8. Identifiers: MedGen C1843896, MONDO:0011831, OMIM 607450.

Submissions (5):

GeneDx
Classification: Uncertain significance. Last evaluated: 2026-10-01. Review status: criteria provided, single submitter. Criteria: GeneDx Variant Classification Process June 2021. Collection method: clinical testing. Allele origin: germline.
Comment: Not observed at significant frequency in large population cohorts (gnomAD); In silico analysis suggests that this missense variant does not alter protein structure/function; Has not been previously published as pathogenic or benign to our knowledge

Color Diagnostics, LLC DBA Color Health
Classification: Uncertain significance for Cardiomyopathy. Last evaluated: 2025-06-17. Review status: criteria provided, single submitter. Criteria: ACMG Guidelines, 2015. Collection method: clinical testing. Allele origin: germline.
Comment: This missense variant replaces glutamic acid with glutamine at codon 2740 of the DSP protein. Computational prediction suggests that this variant may not impact protein structure and function. To our knowledge, functional studies have not been reported for this variant. This variant has not been reported in individuals affected with DSP-related disorders in the literature. This variant has not been identified in the general population by the Genome Aggregation Database (gnomAD). The available evidence is insufficient to determine the role of this variant in disease conclusively. Therefore, this variant is classified as a Variant of Uncertain Significance.

Labcorp Genetics (formerly Invitae), Labcorp
Classification: Uncertain significance for Arrhythmogenic cardiomyopathy with wooly hair and keratoderma; Arrhythmogenic right ventricular dysplasia 8. Last evaluated: 2025-06-12. Review status: criteria provided, single submitter. Criteria: Invitae Variant Classification Sherloc (09022015). Collection method: clinical testing. Allele origin: germline.
Comment: This sequence change replaces glutamic acid, which is acidic and polar, with glutamine, which is neutral and polar, at codon 2740 of the DSP protein (p.Glu2740Gln). This variant is not present in population databases (gnomAD no frequency). This variant has not been reported in the literature in individuals affected with DSP-related conditions. ClinVar contains an entry for this variant (Variation ID: 2167885). An algorithm developed to predict the effect of missense changes on protein structure and function (PolyPhen-2) suggests that this variant is likely to be disruptive. In summary, the available evidence is currently insufficient to determine the role of this variant in disease. Therefore, it has been classified as a Variant of Uncertain Significance.

All of Us Research Program, National Institutes of Health
Classification: Uncertain significance for Arrhythmogenic cardiomyopathy with wooly hair and keratoderma. Last evaluated: 2023-10-30. Review status: criteria provided, single submitter. Criteria: ACMG Guidelines, 2015. Collection method: clinical testing. Allele origin: germline. Inheritance: Autosomal dominant inheritance. Observed: 3 variant alleles, 3 heterozygotes.
Comment: This missense variant replaces glutamic acid with glutamine at codon 2740 of the DSP protein. Computational prediction suggests that this variant may not impact protein structure and function (internally defined REVEL score threshold <= 0.5, PMID: 27666373). To our knowledge, functional studies have not been reported for this variant. This variant has not been reported in individuals affected with DSP-related disorders in the literature. This variant has not been identified in the general population by the Genome Aggregation Database (gnomAD). The available evidence is insufficient to determine the role of this variant in disease conclusively. Therefore, this variant is classified as a Variant of Uncertain Significance.

This study involves interpretation of variants in research participants for the purpose of population health screening. Participant phenotype was not available at the time of variant classification. Additional details can be found in publication PMID: 35346344, PMCID: PMC8962531

Ambry Genetics
Classification: Uncertain significance for Cardiovascular phenotype. Last evaluated: 2022-02-11. Review status: criteria provided, single submitter. Criteria: Ambry Variant Classification Scheme 2023. Collection method: clinical testing. Allele origin: germline.
Comment: The p.E2740Q variant (also known as c.8218G>C), located in coding exon 24 of the DSP gene, results from a G to C substitution at nucleotide position 8218. The glutamic acid at codon 2740 is replaced by glutamine, an amino acid with highly similar properties. This amino acid position is conserved. In addition, this alteration is predicted to be tolerated by in silico analysis. Since supporting evidence is limited at this time, the clinical significance of this alteration remains unclear.

NM_004415.4(DSP):c.8218G>C (p.Glu2740Gln)

Gene: DSP (desmoplakin; plus strand). Cytogenetic location: 6p24.3.
Variant type: single nucleotide variant.
Coding change: c.8218G>C on transcript NM_004415.4 (MANE Select); coding-DNA position 8218, G replaced by C.
Protein change: p.Glu2740Gln; replaces glutamic acid 2740 with glutamine.
Molecular consequence: missense variant.
Genome position (GRCh38, 1-based): chr6:7,585,480, G>C. VCF-style: chr6-7585480-G-C. GRCh37 (hg19) VCF-style: chr6-7585713-G-C.
Other names: c.6421G>C, p.Glu2141Gln (NM_001008844.3); c.6889G>C, p.Glu2297Gln (NM_001319034.2); short protein forms E2740Q, E2141Q, E2297Q.
Identifiers: ClinVar variation 2167885 (VCV002167885.10), dbSNP rs1759627302, ClinGen allele CA362694692.
Genomic context (GRCh38, chr6:7,585,480, plus strand): 5'-TATGAGGCTGGCCAGCGCTTCCTGGAGTTCCAGTACCTCACGGGAGGTCTTGTTGACCCG[G>C]AAGTGCATGGGAGGATAAGCACCGAAGAAGCCATCCGGAAGGGGTTCATAGATGGCCGCG-3'
Protein context (NP_004406.2, residues 2730-2750): QYLTGGLVDP[Glu2740Gln]VHGRISTEEA